The following is an entry in ClinVar:

GRCh37/hg19 Xq22.2(chrX:103029773-103036548)x0

Gene: PLP1 (proteolipid protein 1; plus strand). Cytogenetic location: Xq22.2.
Variant type: copy number loss.
Change: copy number 0 of chrX:103,029,773-103,036,548 (6.8 kb, GRCh37 coordinates, 1-based), cytogenetic band Xq22.2.
Identifiers: ClinVar variation 691850 (VCV000691850.2).

ClinVar aggregate classification (germline): Pathogenic (0 of 4 stars; one submission).

Conditions:
Hereditary spastic paraplegia 2 (SPG2). Also called: Spastic Paraplegia 2 (SPG2); SPASTIC PARAPLEGIA 2, X-LINKED. Identifiers: Orphanet 99015, MedGen C0751604, MONDO:0010733, OMIM 312920.

Submission:

Lupski Lab, Baylor-Hopkins CMG, Baylor College of Medicine
Classification: Pathogenic for Hereditary spastic paraplegia 2. Review status: no assertion criteria provided. Collection method: research. Allele origin: maternal. Inheritance: X-linked inheritance. Affected: yes. Observed: 1 variant allele.